The following is an entry in ClinVar:

ClinVar aggregate classification (germline): Uncertain significance. Review status: criteria provided, multiple submitters, no conflicts (2 of 4 stars). 2 submissions from 2 submitters: Uncertain significance (2). Last evaluated 2025-06-16.

Conditions:
Inborn genetic diseases. Identifiers: MedGen C0950123, MeSH D030342.
Holoprosencephaly sequence (HPE). Also called: Holoprosencephaly. Identifiers: Orphanet 2162, MedGen C0079541, MONDO:0016296, HP:0001360.

Allele frequency attached by ClinVar (database versions not stated): ESP Exome Variant Server 0.00008; gnomAD 0.00010 and 0.00011; TOPMed 0.00010.
gnomAD v4.1: 250 of 1,608,730 alleles (0.016%); highest among the groups gnomAD compares: Non-Finnish European, 0.02%; no homozygotes.

Submissions (2):

Ambry Genetics
Classification: Uncertain significance for Inborn genetic diseases. Last evaluated: 2025-06-16. Review status: criteria provided, single submitter. Criteria: Ambry Variant Classification Scheme 2023. Collection method: clinical testing. Allele origin: germline.

Labcorp Genetics (formerly Invitae), Labcorp
Classification: Uncertain significance for Holoprosencephaly sequence. Last evaluated: 2025-05-22. Review status: criteria provided, single submitter. Criteria: Invitae Variant Classification Sherloc (09022015). Collection method: clinical testing. Allele origin: germline.
Comment: This sequence change replaces alanine, which is neutral and non-polar, with aspartic acid, which is acidic and polar, at codon 139 of the FOXH1 protein (p.Ala139Asp). This variant is present in population databases (rs373424413, gnomAD 0.02%). This variant has not been reported in the literature in individuals affected with FOXH1-related conditions. ClinVar contains an entry for this variant (Variation ID: 1419514). Invitae Evidence Modeling of protein sequence and biophysical properties (such as structural, functional, and spatial information, amino acid conservation, physicochemical variation, residue mobility, and thermodynamic stability) indicates that this missense variant is not expected to disrupt FOXH1 protein function with a negative predictive value of 80%. In summary, the available evidence is currently insufficient to determine the role of this variant in disease. Therefore, it has been classified as a Variant of Uncertain Significance.

NM_003923.3(FOXH1):c.416C>A (p.Ala139Asp)

Gene: FOXH1 (forkhead box H1; minus strand). Cytogenetic location: 8q24.3.
Variant type: single nucleotide variant.
Coding change: c.416C>A on transcript NM_003923.3 (MANE Select); coding-DNA position 416, C replaced by A.
Protein change: p.Ala139Asp; replaces alanine 139 with aspartic acid.
Molecular consequence: missense variant.
Genome position (GRCh38, 1-based): chr8:144,474,920, G>T on the plus strand (C>A on the coding strand, the complement: FOXH1 is on the minus strand). VCF-style: chr8-144474920-G-T. GRCh37 (hg19) VCF-style: chr8-145700303-G-T.
Other names: c.416C>A (NM_003923.2); short protein forms A139D.
Identifiers: ClinVar variation 1419514 (VCV001419514.10), dbSNP rs373424413, ClinGen allele CA4945546.